The following is an entry in ClinVar:

NM_000755.5(CRAT):c.1138A>G (p.Lys380Glu)

Gene: CRAT (carnitine O-acetyltransferase; minus strand). Cytogenetic location: 9q34.11.
Variant type: single nucleotide variant.
Coding change: c.1138A>G on transcript NM_000755.5 (MANE Select); coding-DNA position 1138, A replaced by G.
Protein change: p.Lys380Glu; replaces lysine 380 with glutamic acid.
Molecular consequence: missense variant.
Genome position (GRCh38, 1-based): chr9:129,098,598, T>C on the plus strand (A>G on the coding strand, the complement: CRAT is on the minus strand). VCF-style: chr9-129098598-T-C. GRCh37 (hg19) VCF-style: chr9-131860877-T-C.
Other names: c.1075A>G, p.Lys359Glu (NM_001257363.3, NM_001346548.2, NM_004003.4); c.1141A>G, p.Lys381Glu (NM_001346546.2); c.1138A>G, p.Lys380Glu (NM_001346547.2); c.1018A>G, p.Lys340Glu (NM_001346549.2); short protein forms K359E, K381E, K340E, K380E.
Identifiers: ClinVar variation 2178721 (VCV002178721.4), dbSNP rs149214173, ClinGen allele CA5275473.

ClinVar aggregate classification (germline): Uncertain significance (1 of 4 stars; one submission).

Allele frequency attached by ClinVar (database versions not stated): gnomAD exomes below 0.00001; ExAC 0.00001; gnomAD 0.00001; TOPMed 0.00007; ESP Exome Variant Server 0.00008.
gnomAD v4.1: 12 of 1,598,318 alleles (0.00075%); highest among the groups gnomAD compares: Admixed American, 0.011%; no homozygotes.

Submission:

Labcorp Genetics (formerly Invitae), Labcorp
Classification: Uncertain significance. Last evaluated: 2023-08-24. Review status: criteria provided, single submitter. Criteria: Invitae Variant Classification Sherloc (09022015). Collection method: clinical testing. Allele origin: germline.
Comment: In summary, the available evidence is currently insufficient to determine the role of this variant in disease. Therefore, it has been classified as a Variant of Uncertain Significance. Advanced modeling of protein sequence and biophysical properties (such as structural, functional, and spatial information, amino acid conservation, physicochemical variation, residue mobility, and thermodynamic stability) performed at Invitae indicates that this missense variant is not expected to disrupt CRAT protein function. ClinVar contains an entry for this variant (Variation ID: 2178721). This variant has not been reported in the literature in individuals affected with CRAT-related conditions. The frequency data for this variant in the population databases is considered unreliable, as metrics indicate poor data quality at this position in the gnomAD database. This sequence change replaces lysine, which is basic and polar, with glutamic acid, which is acidic and polar, at codon 380 of the CRAT protein (p.Lys380Glu).